The following is an entry in ClinVar:

ClinVar aggregate classification (germline): Uncertain significance (1 of 4 stars; one submission).

gnomAD v4.1: 22 of 1,611,384 alleles (0.0014%); highest among the groups gnomAD compares: Non-Finnish European, 0.0019%; no homozygotes.

Submission:

Labcorp Genetics (formerly Invitae), Labcorp
Classification: Uncertain significance. Last evaluated: 2024-09-29. Review status: criteria provided, single submitter. Criteria: Invitae Variant Classification Sherloc (09022015). Collection method: clinical testing. Allele origin: germline.
Comment: This sequence change replaces arginine, which is basic and polar, with threonine, which is neutral and polar, at codon 584 of the FN1 protein (p.Arg584Thr). This variant is present in population databases (rs745549684, gnomAD 0.002%). This variant has not been reported in the literature in individuals affected with FN1-related conditions. Invitae Evidence Modeling of protein sequence and biophysical properties (such as structural, functional, and spatial information, amino acid conservation, physicochemical variation, residue mobility, and thermodynamic stability) indicates that this missense variant is not expected to disrupt FN1 protein function with a negative predictive value of 80%. In summary, the available evidence is currently insufficient to determine the role of this variant in disease. Therefore, it has been classified as a Variant of Uncertain Significance.

NM_212482.4(FN1):c.1751G>C (p.Arg584Thr)

Gene: FN1 (fibronectin 1; minus strand). Cytogenetic location: 2q35.
Variant type: single nucleotide variant.
Coding change: c.1751G>C on transcript NM_212482.4 (MANE Select); coding-DNA position 1751, G replaced by C.
Protein change: p.Arg584Thr; replaces arginine 584 with threonine.
Molecular consequence: missense variant.
Genome position (GRCh38, 1-based): chr2:215,419,310, C>G on the plus strand (G>C on the coding strand, the complement: FN1 is on the minus strand). VCF-style: chr2-215419310-C-G. GRCh37 (hg19) VCF-style: chr2-216284033-C-G.
Other names: c.1751G>C, p.Arg584Thr (NM_001306129.2, NM_001306130.2, NM_001306131.2 and 14 more transcripts); short protein forms R584T.
Identifiers: ClinVar variation 3627702 (VCV003627702.2).
Genomic context (GRCh38, chr2:215,419,310, plus strand): 5'-GTCTGTAAAGGTTGGCAATGCCACTCCCCAATGCCACGGCCATAGCAGTAGCACTGGTAT[C>G]TGACACCATGCACATACTTCTCCCATGAATCTCCAATTTGATAAAACGTCCCAGTCTCTG-3'
Protein context (NP_997647.2, residues 574-594): DSWEKYVHGV[Arg584Thr]YQCYCYGRGI